The following is an entry in ClinVar:

NM_015295.3(SMCHD1):c.6004A>G (p.Lys2002Glu)

Gene: SMCHD1 (structural maintenance of chromosomes flexible hinge domain containing 1; plus strand). Cytogenetic location: 18p11.32.
Variant type: single nucleotide variant.
Coding change: c.6004A>G on transcript NM_015295.3 (MANE Select); coding-DNA position 6004, A replaced by G.
Protein change: p.Lys2002Glu; replaces lysine 2002 with glutamic acid.
Molecular consequence: missense variant.
Genome position (GRCh38, 1-based): chr18:2,802,538, A>G. VCF-style: chr18-2802538-A-G. GRCh37 (hg19) VCF-style: chr18-2802536-A-G.
Other names: short protein forms K2002E.
Identifiers: ClinVar variation 2297107 (VCV002297107.5), dbSNP rs1163758171, ClinGen allele CA401692687.

ClinVar aggregate classification (germline): Uncertain significance. Review status: criteria provided, multiple submitters, no conflicts (2 of 4 stars). 2 submissions from 2 submitters: Uncertain significance (2). Last evaluated 2024-02-08.

Conditions:
Inborn genetic diseases. Identifiers: MedGen C0950123, MeSH D030342.
Facioscapulohumeral muscular dystrophy 2 (FSHD2). Also called: MUSCULAR DYSTROPHY, FACIOSCAPULOHUMERAL, TYPE 1B; FACIOSCAPULOHUMERAL MUSCULAR DYSTROPHY 2, DIGENIC; FSHD2, DIGENIC. Identifiers: Orphanet 269, MedGen C1834671, MONDO:0008031, OMIM 158901.

Allele frequency attached by ClinVar (database versions not stated): gnomAD exomes below 0.00001; gnomAD 0.00001.
gnomAD v4.1: 4 of 1,554,434 alleles (0.00026%); highest among the groups gnomAD compares: East Asian, 0.0072%; no homozygotes.

Submissions (2):

Labcorp Genetics (formerly Invitae), Labcorp
Classification: Uncertain significance for Facioscapulohumeral muscular dystrophy 2. Last evaluated: 2024-02-08. Review status: criteria provided, single submitter. Criteria: Invitae Variant Classification Sherloc (09022015). Collection method: clinical testing. Allele origin: germline.
Comment: This sequence change replaces lysine, which is basic and polar, with glutamic acid, which is acidic and polar, at codon 2002 of the SMCHD1 protein (p.Lys2002Glu). The frequency data for this variant in the population databases is considered unreliable, as metrics indicate poor data quality at this position in the gnomAD database. This variant has not been reported in the literature in individuals affected with SMCHD1-related conditions. ClinVar contains an entry for this variant (Variation ID: 2297107). Algorithms developed to predict the effect of missense changes on protein structure and function output the following: SIFT: "Not Available"; PolyPhen-2: "Benign"; Align-GVGD: "Not Available". The glutamic acid amino acid residue is found in multiple mammalian species, which suggests that this missense change does not adversely affect protein function. In summary, the available evidence is currently insufficient to determine the role of this variant in disease. Therefore, it has been classified as a Variant of Uncertain Significance.

Ambry Genetics
Classification: Uncertain significance for Inborn genetic diseases. Last evaluated: 2022-06-24. Review status: criteria provided, single submitter. Criteria: Ambry Variant Classification Scheme 2023. Collection method: clinical testing. Allele origin: germline.